The following is an entry in ClinVar:

NM_015272.5(RPGRIP1L):c.1058A>G (p.Lys353Arg)

Gene: RPGRIP1L (RPGRIP1 like; minus strand). Cytogenetic location: 16q12.2.
Variant type: single nucleotide variant.
Coding change: c.1058A>G on transcript NM_015272.5 (MANE Select); coding-DNA position 1058, A replaced by G.
Protein change: p.Lys353Arg; replaces lysine 353 with arginine.
Molecular consequence: missense variant.
Genome position (GRCh38, 1-based): chr16:53,671,555, T>C on the plus strand (A>G on the coding strand, the complement: RPGRIP1L is on the minus strand). VCF-style: chr16-53671555-T-C. GRCh37 (hg19) VCF-style: chr16-53705467-T-C.
Other names: c.1058A>G, p.Lys353Arg (NM_001127897.4, NM_001308334.3, NM_001330538.2); short protein forms K353R.
Identifiers: ClinVar variation 2158972 (VCV002158972.4), dbSNP rs2544474397, ClinGen allele CA395922635.
Genomic context (GRCh38, chr16:53,671,555, plus strand): 5'-GGAATCACGATTTACCTGTCATAAAGTTTATCATAGTTTTCCTTTAAAAGTTCCCGTTCC[T>C]TTTCTAAATCATTAATTCTATCCTGCAGCTAAAATGAAAATAAAATTACATATTAAGTAA-3'
Protein context (NP_056087.2, residues 343-363): ELQDRINDLE[Lys353Arg]ERELLKENYD

ClinVar aggregate classification (germline): Uncertain significance (1 of 4 stars; one submission).

Conditions:
Joubert syndrome. Also called: CEREBELLOPARENCHYMAL DISORDER IV; JOUBERT-BOLTSHAUSER SYNDROME; Familial aplasia of the vermis. Identifiers: Orphanet 475, MedGen C5979921, MONDO:0018772.
Meckel-Gruber syndrome. Also called: DYSENCEPHALIA SPLANCHNOCYSTICA; GRUBER SYNDROME; Dysencephalia splachnocystica. Identifiers: Orphanet 564, MedGen C0265215, MONDO:0018921.

Submission:

Labcorp Genetics (formerly Invitae), Labcorp
Classification: Uncertain significance for Joubert syndrome; Meckel-Gruber syndrome. Last evaluated: 2022-11-01. Review status: criteria provided, single submitter. Criteria: Invitae Variant Classification Sherloc (09022015). Collection method: clinical testing. Allele origin: germline.
Comment: This sequence change replaces lysine, which is basic and polar, with arginine, which is basic and polar, at codon 353 of the RPGRIP1L protein (p.Lys353Arg). This variant is not present in population databases (gnomAD no frequency). This variant has not been reported in the literature in individuals affected with RPGRIP1L-related conditions. Advanced modeling of protein sequence and biophysical properties (such as structural, functional, and spatial information, amino acid conservation, physicochemical variation, residue mobility, and thermodynamic stability) performed at Invitae indicates that this missense variant is not expected to disrupt RPGRIP1L protein function. In summary, the available evidence is currently insufficient to determine the role of this variant in disease. Therefore, it has been classified as a Variant of Uncertain Significance.